The following is an entry in ClinVar:

ClinVar aggregate classification (germline): Uncertain significance (1 of 4 stars; one submission).

Submission:

Labcorp Genetics (formerly Invitae), Labcorp
Classification: Uncertain significance. Last evaluated: 2025-09-08. Review status: criteria provided, single submitter. Criteria: Invitae Variant Classification Sherloc (09022015). Collection method: clinical testing. Allele origin: germline.
Comment: This sequence change falls in intron 1 of the CYP11B1 gene. It does not directly change the encoded amino acid sequence of the CYP11B1 protein. Information on the frequency of this variant in the gnomAD database is not available, as this variant may be reported differently in the database. This variant has not been reported in the literature in individuals affected with CYP11B1-related conditions. Experimental studies and prediction algorithms are not available or were not evaluated, and the effect of this variant on mRNA splicing is currently unknown. In summary, the available evidence is currently insufficient to determine the role of this variant in disease. Therefore, it has been classified as a Variant of Uncertain Significance.

NM_000497.4(CYP11B1):c.239+20_239+21delinsAA

Gene: CYP11B1 (cytochrome P450 family 11 subfamily B member 1; minus strand). Cytogenetic location: 8q24.3.
Variant type: Indel.
Coding change: c.239+20_239+21delinsAA on transcript NM_000497.4 (MANE Select); bases 20 to 21 of the intron after coding-DNA position 239, TC replaced by AA.
Molecular consequence: intron variant.
Genome position (GRCh38, 1-based): chr8:142,879,554-142,879,555, GA replaced by TT on the plus strand (TC replaced by AA on the coding strand, the reverse complement: CYP11B1 is on the minus strand). VCF-style: chr8-142879554-GA-TT. GRCh37 (hg19) VCF-style: chr8-143960970-GA-TT.
Other names: c.239+20_239+21delinsAA (NM_001026213.1).
Identifiers: ClinVar variation 4752630 (VCV004752630.1).